The following is an entry in ClinVar:

NM_002495.4(NDUFS4):c.80T>A (p.Val27Asp)

Genes: NDUFS4 (NADH:ubiquinone oxidoreductase subunit S4; plus strand), LOC129993885 (ATAC-STARR-seq lymphoblastoid active region 22547; plus strand). Cytogenetic location: 5q11.2.
Variant type: single nucleotide variant.
Coding change: c.80T>A on transcript NM_002495.4 (MANE Select); coding-DNA position 80, T replaced by A.
Protein change: p.Val27Asp; replaces valine 27 with aspartic acid.
Molecular consequence: missense variant. On other transcripts: non-coding transcript variant (3).
Genome position (GRCh38, 1-based): chr5:53,560,742, T>A. VCF-style: chr5-53560742-T-A. GRCh37 (hg19) VCF-style: chr5-52856572-T-A.
Other names: c.80T>A, p.Val27Asp (NM_001318051.2); c.80T>A (NM_002495.3); short protein forms V27D.
Identifiers: ClinVar variation 1028025 (VCV001028025.13), dbSNP rs145347909, ClinGen allele CA3264147.

ClinVar aggregate classification (germline): Conflicting classifications of pathogenicity. Review status: criteria provided, conflicting classifications (1 of 4 stars). 5 submissions from 5 submitters: Uncertain significance (2); Likely benign (2). 1 of the submissions does not count toward it. Last evaluated 2026-01-05.

Conditions:
Leigh syndrome (NULS). Also called: LEIGH SYNDROME, NUCLEAR; Leigh Disease; Subacute necrotizing encephalopathy; Necrotizing encephalopathy infantile subacute of Leigh; Leigh's necrotizing encephalopathy; Leigh's disease. Identifiers: Orphanet 506, MedGen C2931891, MONDO:0009723, OMIM 256000.
NDUFS4-related disorder. Also called: NDUFS4-related condition.

Allele frequency attached by ClinVar (database versions not stated): gnomAD 0.00053 and 0.00055; TOPMed 0.00056; ESP Exome Variant Server 0.00069; gnomAD exomes 0.00006 and 0.00016; ExAC 0.00022; 1000 Genomes Project 30x 0.00109; 1000 Genomes Project 0.00120.
gnomAD v4.1: 184 of 1,614,220 alleles (0.011%); highest among the groups gnomAD compares: African/African-American, 0.21%; no homozygotes.

Submissions (5):

Labcorp Genetics (formerly Invitae), Labcorp
Classification: Likely benign. Last evaluated: 2026-01-05. Review status: criteria provided, single submitter. Criteria: Invitae Variant Classification Sherloc (09022015). Collection method: clinical testing. Allele origin: germline.

GeneDx
Classification: Uncertain significance. Last evaluated: 2025-04-30. Review status: criteria provided, single submitter. Criteria: GeneDx Variant Classification Process June 2021. Collection method: clinical testing. Allele origin: germline.
Comment: In silico analysis indicates that this missense variant does not alter protein structure/function; Has not been previously published as pathogenic or benign to our knowledge

Women's Health and Genetics/Laboratory Corporation of America, LabCorp
Classification: Likely benign. Last evaluated: 2024-04-11. Review status: criteria provided, single submitter. Criteria: LabCorp Variant Classification Summary - May 2015. Collection method: clinical testing. Allele origin: germline.
Comment: Variant summary: NDUFS4 c.80T>A (p.Val27Asp) results in a non-conservative amino acid change in the encoded protein sequence. Four of five in-silico tools predict a benign effect of the variant on protein function. The variant allele was found at a frequency of 0.00016 in 251428 control chromosomes, predominantly at a frequency of 0.0022 within the African or African-American subpopulation in the gnomAD database. The observed variant frequency within African or African-American control individuals in the gnomAD database is approximately 2 fold of the estimated maximal expected allele frequency for a pathogenic variant in NDUFS4 causing Leigh Syndrome phenotype (0.0013), strongly suggesting that the variant is a benign polymorphism found primarily in populations of African or African-American origin. To our knowledge, no occurrence of c.80T>A in individuals affected with Leigh Syndrome and no experimental evidence demonstrating its impact on protein function have been reported. ClinVar contains an entry for this variant (Variation ID: 1028025). Based on the evidence outlined above, the variant was classified as likely benign.

Baylor Genetics
Classification: Uncertain significance for Leigh syndrome. Last evaluated: 2020-05-05. Review status: criteria provided, single submitter. Criteria: ACMG Guidelines, 2015. Collection method: clinical testing. Allele origin: unknown. Affected: yes.
Comment: This variant was determined to be of uncertain significance according to ACMG Guidelines, 2015 [PMID:25741868].

PreventionGenetics, part of Exact Sciences
Classification: Likely benign for NDUFS4-related condition. Last evaluated: 2024-03-27. Review status: no assertion criteria provided. Collection method: clinical testing. Allele origin: germline. Not counted in ClinVar's aggregate classification.
Comment: This variant is classified as likely benign based on ACMG/AMP sequence variant interpretation guidelines (Richards et al. 2015 PMID: 25741868, with internal and published modifications).